The following is an entry in ClinVar:

ClinVar aggregate classification (germline): Likely benign (1 of 4 stars; one submission).

Submission:

CeGaT Center for Human Genetics Tuebingen
Classification: Likely benign. Last evaluated: 2022-12-01. Review status: criteria provided, single submitter. Criteria: CeGaT Center For Human Genetics Tuebingen Variant Classification Criteria Version 2. Collection method: clinical testing. Allele origin: germline. Affected: yes. Observed: 1 variant allele.
Comment: MC4R: PM2:Supporting, BP4, BP7

NM_005912.3(MC4R):c.297A>G (p.Ser99=)

Gene: MC4R (melanocortin 4 receptor; minus strand). Cytogenetic location: 18q21.32.
Variant type: single nucleotide variant.
Coding change: c.297A>G on transcript NM_005912.3 (MANE Select); coding-DNA position 297, A replaced by G.
Protein change: p.Ser99=; no amino-acid change (serine 99 retained).
Molecular consequence: synonymous variant.
Genome position (GRCh38, 1-based): chr18:60,372,053, T>C on the plus strand (A>G on the coding strand, the complement: MC4R is on the minus strand). VCF-style: chr18-60372053-T-C. GRCh37 (hg19) VCF-style: chr18-58039286-T-C.
Identifiers: ClinVar variation 2648770 (VCV002648770.24), dbSNP rs2511560654, ClinGen allele CA504305752.
Genomic context (GRCh38, chr18:60,372,053, plus strand): 5'-CACTGTGAAACTCTGTGCATCCGTATCTGTACTGTTTAATAGGGTGATGACAATGGTTTC[T>C]GATCCATTTGAAACGCTCACCAGCATATCAGCCACAGCCAAGCTGCAGATGAAAAAGTAC-3'
Protein context (NP_005903.2, residues 89-109): ADMLVSVSNG[Ser99=]ETIVITLLNS